The following is an entry in ClinVar:

NM_000540.3(RYR1):c.10263G>C (p.Ala3421=)

Gene: RYR1 (ryanodine receptor 1; plus strand). Cytogenetic location: 19q13.2.
Variant type: single nucleotide variant.
Coding change: c.10263G>C on transcript NM_000540.3 (MANE Select); coding-DNA position 10263, G replaced by C.
Protein change: p.Ala3421=; no amino-acid change (alanine 3421 retained).
Molecular consequence: synonymous variant.
Genome position (GRCh38, 1-based): chr19:38,523,031, G>C. VCF-style: chr19-38523031-G-C. GRCh37 (hg19) VCF-style: chr19-39013671-G-C.
Other names: c.10263G>C, p.Ala3421= (NM_001042723.2).
Identifiers: ClinVar variation 870939 (VCV000870939.48), dbSNP rs778171066, ClinGen allele CA052959.
Genomic context (GRCh38, chr19:38,523,031, plus strand): 5'-CAGCCCCCTTCCCTGGGATCCCCACCCCCTCCCTCACCTCCCCTCCGCTGACCCCAGGGC[G>C]CAGTGGCTGACGGAGCCGAATCCCAGCGCGGAGGAGCTGTTCAGGATGGTGGGCGAGATC-3'
Protein context (NP_000531.2, residues 3411-3431): LLIRYVDNNR[Ala3421=]QWLTEPNPSA

ClinVar aggregate classification (germline): Likely benign. Review status: criteria provided, multiple submitters, no conflicts (2 of 4 stars). 4 submissions from 4 submitters: Likely benign (4). Last evaluated 2024-04-25.

Conditions:
Malignant hyperthermia, susceptibility to, 1 (MHS1). Also called: RYR1-Related Malignant Hyperthermia Susceptibility; Anesthesia related hyperthermia; Malignant hyperpyrexia; Fulminating hyperpyrexia; Pharmacogenic myopathy; Malignant hyperthermia suceptibility 1. Identifiers: Orphanet 423, MedGen C2930980, MONDO:0007783, OMIM 145600.
RYR1-related disorder. Also called: RYR1-related condition; RYR1-related disorders. Identifiers: MedGen CN239331.

Allele frequency attached by ClinVar (database versions not stated): TOPMed 0.00003.
gnomAD v4.1: 21 of 1,593,722 alleles (0.0013%); highest among the groups gnomAD compares: Non-Finnish European, 0.0018%; no homozygotes.

Submissions (4):

Labcorp Genetics (formerly Invitae), Labcorp
Classification: Likely benign for RYR1-related disorder. Last evaluated: 2024-04-25. Review status: criteria provided, single submitter. Criteria: Invitae Variant Classification Sherloc (09022015). Collection method: clinical testing. Allele origin: germline.

All of Us Research Program, National Institutes of Health
Classification: Likely benign for Malignant hyperthermia, susceptibility to, 1. Last evaluated: 2023-11-30. Review status: criteria provided, single submitter. Criteria: ACMG Guidelines, 2015. Collection method: clinical testing. Allele origin: germline. Inheritance: Autosomal dominant inheritance. Observed: 5 variant alleles, 5 heterozygotes.
Comment: This study involves interpretation of variants in research participants for the purpose of population health screening. Participant phenotype was not available at the time of variant classification. Additional details can be found in publication PMID: 35346344, PMCID: PMC8962531

Color Diagnostics, LLC DBA Color Health
Classification: Likely benign for Malignant hyperthermia, susceptibility to, 1. Last evaluated: 2022-11-06. Review status: criteria provided, single submitter. Criteria: ACMG Guidelines, 2015. Collection method: clinical testing. Allele origin: germline.

CeGaT Center for Human Genetics Tuebingen
Classification: Likely benign. Last evaluated: 2020-01-01. Review status: criteria provided, single submitter. Criteria: CeGaT Center For Human Genetics Tuebingen Variant Classification Criteria Version 2. Collection method: clinical testing. Allele origin: germline. Affected: yes. Observed: 1 variant allele.